The following is an entry in ClinVar:

ClinVar aggregate classification (germline): Uncertain significance (1 of 4 stars; one submission).

Conditions:
Mitochondrial complex II deficiency, nuclear type 1. Also called: SUCCINATE CoQ REDUCTASE DEFICIENCY. Identifiers: Orphanet 3208, MedGen C5700310, MONDO:0100294, OMIM 252011.
Pheochromocytoma/paraganglioma syndrome 5. Also called: Paragangliomas 5; SDHA-Related Hereditary Paraganglioma-Pheochromocytoma Syndrome. Identifiers: Orphanet 29072, MedGen C3279992, MONDO:0013602, OMIM 614165.

Submission:

Labcorp Genetics (formerly Invitae), Labcorp
Classification: Uncertain significance for Pheochromocytoma/paraganglioma syndrome 5; Mitochondrial complex II deficiency, nuclear type 1. Last evaluated: 2021-02-16. Review status: criteria provided, single submitter. Criteria: Invitae Variant Classification Sherloc (09022015). Collection method: clinical testing. Allele origin: germline.
Comment: In summary, the available evidence is currently insufficient to determine the role of this variant in disease. Therefore, it has been classified as a Variant of Uncertain Significance. Experimental studies and prediction algorithms are not available or were not evaluated, and the functional significance of this variant is currently unknown. This variant has not been reported in the literature in individuals with SDHA-related conditions. This variant is not present in population databases (ExAC no frequency). This variant, c.1144_1149dup, results in the insertion of 2 amino acid(s) to the SDHA protein (p.Gly382_Ile383dup), but otherwise preserves the integrity of the reading frame.

NM_004168.4(SDHA):c.1144_1149dup (p.Gly382_Ile383dup)

Gene: SDHA (succinate dehydrogenase complex flavoprotein subunit A; plus strand). Cytogenetic location: 5p15.33.
Variant type: Duplication.
Coding change: c.1144_1149dup on transcript NM_004168.4 (MANE Select); coding-DNA positions 1144 to 1149, 6 bases duplicated (GGCATT; older notation c.1144_1149dupGGCATT).
Protein change: p.Gly382_Ile383dup.
Molecular consequence: inframe insertion.
Genome position (GRCh38, 1-based): chr5:235,223-235,228, GGCATT duplicated; duplicating any 6 consecutive bases within chr5:235,222-235,228 gives the same sequence; the c. name uses the placement nearest the transcript's 3' end. VCF-style (leftmost placement, unchanged base first): chr5-235221-C-CTGGCAT. GRCh37 (hg19) VCF-style: chr5-235336-C-CTGGCAT.
Other names: c.1000_1005dup, p.Gly334_Ile335dup (NM_001294332.2); c.1144_1149dup, p.Gly382_Ile383dup (NM_001330758.2).
Identifiers: ClinVar variation 1481007 (VCV001481007.8), dbSNP rs2126584776, ClinGen allele CA2573139517.